The following is an entry in ClinVar:

ClinVar aggregate classification (germline): Uncertain significance. Review status: criteria provided, single submitter (1 of 4 stars). 2 submissions from 2 submitters: Uncertain significance (1). 1 of the submissions does not count toward it. Last evaluated 2022-07-30.

Conditions:
KMT2D-related disorder. Also called: KMT2D-Related Disorders.
Kabuki syndrome. Also called: NIIKAWA-KUROKI SYNDROME; Kabuki make-up syndrome. Identifiers: Orphanet 2322, MedGen C0796004, MONDO:0016512.

Allele frequency attached by ClinVar (database versions not stated): gnomAD 0.00001; TOPMed 0.00001.

Submissions (2):

Labcorp Genetics (formerly Invitae), Labcorp
Classification: Uncertain significance for Kabuki syndrome. Last evaluated: 2022-07-30. Review status: criteria provided, single submitter. Criteria: Invitae Variant Classification Sherloc (09022015). Collection method: clinical testing. Allele origin: germline.
Comment: Algorithms developed to predict the effect of sequence changes on RNA splicing suggest that this variant may create or strengthen a splice site. In summary, the available evidence is currently insufficient to determine the role of this variant in disease. Therefore, it has been classified as a Variant of Uncertain Significance. This sequence change replaces proline, which is neutral and non-polar, with serine, which is neutral and polar, at codon 846 of the KMT2D protein (p.Pro846Ser). This variant is not present in population databases (gnomAD no frequency). This variant has not been reported in the literature in individuals affected with KMT2D-related conditions. Advanced modeling of protein sequence and biophysical properties (such as structural, functional, and spatial information, amino acid conservation, physicochemical variation, residue mobility, and thermodynamic stability) performed at Invitae indicates that this missense variant is not expected to disrupt KMT2D protein function.

PreventionGenetics, part of Exact Sciences
Classification: Uncertain significance for KMT2D-related condition. Last evaluated: 2024-03-28. Review status: no assertion criteria provided. Collection method: clinical testing. Allele origin: germline. Not counted in ClinVar's aggregate classification.
Comment: The KMT2D c.2536C>T variant is predicted to result in the amino acid substitution p.Pro846Ser. To our knowledge, this variant has not been reported in the literature or in a large population database, indicating this variant is rare. At this time, the clinical significance of this variant is uncertain due to the absence of conclusive functional and genetic evidence.

NM_003482.4(KMT2D):c.2536C>T (p.Pro846Ser)

Gene: KMT2D (lysine methyltransferase 2D; minus strand). Cytogenetic location: 12q13.12.
Variant type: single nucleotide variant.
Coding change: c.2536C>T on transcript NM_003482.4 (MANE Select); coding-DNA position 2536, C replaced by T.
Protein change: p.Pro846Ser; replaces proline 846 with serine.
Molecular consequence: missense variant.
Genome position (GRCh38, 1-based): chr12:49,051,147, G>A on the plus strand (C>T on the coding strand, the complement: KMT2D is on the minus strand). VCF-style: chr12-49051147-G-A. GRCh37 (hg19) VCF-style: chr12-49444930-G-A.
Other names: short protein forms P846S.
Identifiers: ClinVar variation 2417084 (VCV002417084.6), dbSNP rs1019096936, ClinGen allele CA236619046.